The following is an entry in ClinVar:

ClinVar aggregate classification (germline): Uncertain significance (1 of 4 stars; one submission).

Submission:

GeneDx
Classification: Uncertain significance. Last evaluated: 2025-07-02. Review status: criteria provided, single submitter. Criteria: GeneDx Variant Classification Process June 2021. Collection method: clinical testing. Allele origin: germline. Affected: yes.
Comment: Not observed at significant frequency in large population cohorts (gnomAD); In silico analysis supports that this missense variant has a deleterious effect on protein structure/function; Has not been previously published as pathogenic or benign to our knowledge

NM_032217.5(ANKRD17):c.3353C>G (p.Thr1118Ser)

Gene: ANKRD17 (ankyrin repeat domain 17; minus strand). Cytogenetic location: 4q13.3.
Variant type: single nucleotide variant.
Coding change: c.3353C>G on transcript NM_032217.5 (MANE Select); coding-DNA position 3353, C replaced by G.
Protein change: p.Thr1118Ser; replaces threonine 1118 with serine.
Molecular consequence: missense variant.
Genome position (GRCh38, 1-based): chr4:73,125,052, G>C on the plus strand (C>G on the coding strand, the complement: ANKRD17 is on the minus strand). VCF-style: chr4-73125052-G-C. GRCh37 (hg19) VCF-style: chr4-73990769-G-C.
Other names: c.3014C>G, p.Thr1005Ser (NM_001286771.3); c.3350C>G, p.Thr1117Ser (NM_015574.2); c.2600C>G, p.Thr867Ser (NM_198889.3); short protein forms T1005S, T1117S, T1118S, T867S.
Identifiers: ClinVar variation 4681128 (VCV004681128.1).